The following is an entry in ClinVar:

NM_000059.4(BRCA2):c.7462A>G (p.Arg2488Gly)

Gene: BRCA2 (BRCA2 DNA repair associated; plus strand). Cytogenetic location: 13q13.1.
Variant type: single nucleotide variant.
Coding change: c.7462A>G on transcript NM_000059.4 (MANE Select); coding-DNA position 7462, A replaced by G.
Protein change: p.Arg2488Gly; replaces arginine 2488 with glycine.
Molecular consequence: missense variant.
Genome position (GRCh38, 1-based): chr13:32,356,454, A>G. VCF-style: chr13-32356454-A-G. GRCh37 (hg19) VCF-style: chr13-32930591-A-G.
Other names: short protein forms R2488G.
Identifiers: ClinVar variation 462440 (VCV000462440.24), dbSNP rs746057464, ClinGen allele CA6941102.

ClinVar aggregate classification (germline): Conflicting classifications of pathogenicity. Review status: criteria provided, conflicting classifications (1 of 4 stars). 7 submissions from 7 submitters: Uncertain significance (3); Likely benign (3). 1 of the submissions does not count toward it. Last evaluated 2026-04-23.

Conditions:
Hereditary breast ovarian cancer syndrome. Also called: Breast and ovarian cancer; Hereditary breast and ovarian cancer syndrome; Hereditary breast and ovarian cancer syndrome (HBOC); Hereditary breast and/or ovarian cancer syndrome; BRCA1- and BRCA2-Associated Hereditary Breast and Ovarian Cancer; Hereditary breast and ovarian cancer. Identifiers: Orphanet 145, MedGen C0677776, MeSH D061325, MONDO:0003582. Disease mechanism: loss of function.
Breast-ovarian cancer, familial, susceptibility to, 2 (BROVCA2). Also called: BRCA2 Hereditary Breast and Ovarian Cancer. Identifiers: Orphanet 145, MedGen C2675520, MONDO:0012933, OMIM 612555. Disease mechanism: loss of function.
Hereditary cancer-predisposing syndrome. Also called: Hereditary neoplastic syndrome; Neoplastic Syndromes, Hereditary; Hereditary Cancer Syndrome; Tumor predisposition. Identifiers: Orphanet 140162, MedGen C0027672, MeSH D009386, MONDO:0015356.

Allele frequency attached by ClinVar (database versions not stated): gnomAD exomes below 0.00001; ExAC 0.00001.
gnomAD v4.1: 3 of 1,613,886 alleles (0.00019%); highest among the groups gnomAD compares: South Asian, 0.0011%; no homozygotes.

Submissions (7):

Myriad Genetics, Inc.
Classification: Likely benign for Breast-ovarian cancer, familial, susceptibility to, 2. Last evaluated: 2026-04-23. Review status: criteria provided, single submitter. Criteria: Myriad Autosomal Dominant, Autosomal Recessive and X-Linked Classification Criteria (2023). Collection method: clinical testing. Allele origin: unknown.
Comment: This variant is considered likely benign. This variant is strongly associated with less severe personal and family histories of cancer, typical for individuals without pathogenic variants in this gene [PMID: 25085752].

Labcorp Genetics (formerly Invitae), Labcorp
Classification: Uncertain significance for Hereditary breast ovarian cancer syndrome. Last evaluated: 2025-12-08. Review status: criteria provided, single submitter. Criteria: Invitae Variant Classification Sherloc (09022015). Collection method: clinical testing. Allele origin: germline.
Comment: This sequence change replaces arginine, which is basic and polar, with glycine, which is neutral and non-polar, at codon 2488 of the BRCA2 protein (p.Arg2488Gly). This variant is not present in population databases (gnomAD no frequency). This missense change has been observed in individual(s) with breast cancer and/or ovarian cancer (PMID: 22425665, 26997744, 30362333, 33067490). This variant is also known as 7690A>G. ClinVar contains an entry for this variant (Variation ID: 462440). Invitae Evidence Modeling incorporating data from in vitro experimental studies (PMID: 33609447) indicates that this missense variant is not expected to disrupt BRCA2 function with a negative predictive value of 95%. Experimental studies have shown that this missense change does not substantially affect BRCA2 function (PMID: 29394989, 35736817). In summary, the available evidence is currently insufficient to determine the role of this variant in disease. Therefore, it has been classified as a Variant of Uncertain Significance.

Quest Diagnostics Nichols Institute San Juan Capistrano
Classification: Uncertain significance. Last evaluated: 2024-11-02. Review status: criteria provided, single submitter. Criteria: Quest Diagnostics criteria. Collection method: clinical testing. Allele origin: unknown.
Comment: The BRCA2 c.7462A>G (p.Arg2488Gly) variant has been reported in the published literature in individuals affected with breast and/or ovarian cancer (PMIDs: 35402282 (2022), 33067490 (2020), 30362333 (2018), 26997744 (2016), 22425665 (2012), 23697973 (2012)). It has also been identified in affected individuals, but not in any reportedly healthy individuals in a large-scale breast cancer association study (PMID: 33471991 (2021), see also LOVD). This variant has been reported to have no deleterious effect on BRCA2 homologous directed DNA repair (HDR) activity (PMIDs: 29394989 (2018), 35736817 (2022)). This variant has not been reported in large, multi-ethnic general populations (Genome Aggregation Database). Based on the available information, we are unable to determine the clinical significance of this variant.

Ambry Genetics
Classification: Likely benign for Hereditary cancer-predisposing syndrome. Last evaluated: 2020-02-25. Review status: criteria provided, single submitter. Criteria: Ambry Variant Classification Scheme 2023. Collection method: clinical testing. Allele origin: germline.

GeneDx
Classification: Likely benign. Last evaluated: 2020-02-20. Review status: criteria provided, single submitter. Criteria: GeneDx Variant Classification Process June 2021. Collection method: clinical testing. Allele origin: germline. Affected: yes.
Comment: This variant is associated with the following publications: (PMID: 30362333, 33067490, 29884841, 29394989, 30263132, 28814288, 23697973, 26997744, 22425665)

Color Diagnostics, LLC DBA Color Health
Classification: Uncertain significance for Hereditary cancer-predisposing syndrome. Last evaluated: 2020-02-11. Review status: criteria provided, single submitter. Criteria: ACMG Guidelines, 2015. Collection method: clinical testing. Allele origin: germline.
Comment: This missense variant replaces arginine with glycine at codon 2488 of the BRCA2 protein. Computational prediction suggests that this variant may have deleterious impact on protein structure and function (internally defined REVEL score threshold >= 0.7, PMID: 27666373). Splice site prediction tools suggest that this variant may not impact RNA splicing. A functional study reported this variant to be neutral based on a homology-directed DNA repair assay (PMID: 29394989). This variant has been observed in two individuals affected with breast cancer (PMID: 26997744, 30362333) and an individual affected with early-onset or familiar breast/ovarian cancer (PMID: 22425665). This variant has not been identified in the general population by the Genome Aggregation Database (gnomAD). The available evidence is insufficient to determine the role of this variant in disease conclusively. Therefore, this variant is classified as a Variant of Uncertain Significance.

Department of Medical and Surgical Sciences, University of Bologna
Classification: Likely benign for Breast-ovarian cancer, familial, susceptibility to, 2. Last evaluated: 2023-09-01. Review status: no assertion criteria provided. Collection method: clinical testing. Allele origin: germline. Affected: yes. Not counted in ClinVar's aggregate classification.
Comment: PM2(Supporting)+BS3(Strong) according to ACMG/AMP classification guidelines specified for BRCA1 & BRCA2 (Classification Criteria V1.0.0 2023-09-08) (PMID: 38160042)

Literature cited by the submitters: PubMed 25085752 (cited by Myriad Genetics, Inc.); PubMed 22425665 (cited by 3 submitters); PubMed 26997744 (cited by 3 submitters); PubMed 30362333 (cited by Labcorp Genetics (formerly Invitae), Labcorp and Quest Diagnostics Nichols Institute San Juan Capistrano); PubMed 33067490 (cited by Labcorp Genetics (formerly Invitae), Labcorp and Quest Diagnostics Nichols Institute San Juan Capistrano); PubMed 33609447 (cited by Labcorp Genetics (formerly Invitae), Labcorp); PubMed 29394989 (cited by 3 submitters); PubMed 35736817 (cited by Labcorp Genetics (formerly Invitae), Labcorp and Quest Diagnostics Nichols Institute San Juan Capistrano); PubMed 36099812 (cited by Quest Diagnostics Nichols Institute San Juan Capistrano); PubMed 33471991 (cited by Quest Diagnostics Nichols Institute San Juan Capistrano); PubMed 28814288 (cited by Quest Diagnostics Nichols Institute San Juan Capistrano and Ambry Genetics); PubMed 23697973 (cited by Quest Diagnostics Nichols Institute San Juan Capistrano); PubMed 35402282 (cited by Quest Diagnostics Nichols Institute San Juan Capistrano); PubMed 35585550 (cited by Quest Diagnostics Nichols Institute San Juan Capistrano); PubMed 35665744 (cited by Quest Diagnostics Nichols Institute San Juan Capistrano); PubMed 35979650 (cited by Quest Diagnostics Nichols Institute San Juan Capistrano); PubMed 38160042 (cited by Quest Diagnostics Nichols Institute San Juan Capistrano).